The following is an entry in ClinVar:

NM_000702.4(ATP1A2):c.59G>A (p.Gly20Asp)

Gene: ATP1A2 (ATPase Na+/K+ transporting subunit alpha 2; plus strand). Cytogenetic location: 1q23.2.
Variant type: single nucleotide variant.
Coding change: c.59G>A on transcript NM_000702.4 (MANE Select); coding-DNA position 59, G replaced by A.
Protein change: p.Gly20Asp; replaces glycine 20 with aspartic acid.
Molecular consequence: missense variant.
Genome position (GRCh38, 1-based): chr1:160,120,952, G>A. VCF-style: chr1-160120952-G-A. GRCh37 (hg19) VCF-style: chr1-160090742-G-A.
Other names: short protein forms G20D.
Identifiers: ClinVar variation 1307515 (VCV001307515.10), dbSNP rs1437032305, ClinGen allele CA343227273.

ClinVar aggregate classification (germline): Uncertain significance. Review status: criteria provided, multiple submitters, no conflicts (2 of 4 stars). 2 submissions from 2 submitters: Uncertain significance (2). Last evaluated 2025-06-01.

Allele frequency attached by ClinVar (database versions not stated): gnomAD exomes below 0.00001.
gnomAD v4.1: 6 of 1,611,948 alleles (0.00037%); highest among the groups gnomAD compares: Non-Finnish European, 0.00051%; no homozygotes.

Submissions (2):

CeGaT Center for Human Genetics Tuebingen
Classification: Uncertain significance. Last evaluated: 2025-06-01. Review status: criteria provided, single submitter. Criteria: CeGaT Center For Human Genetics Tuebingen Variant Classification Criteria Version 2. Collection method: clinical testing. Allele origin: germline. Affected: yes. Observed: 1 variant allele.
Comment: ATP1A2: PM2

GeneDx
Classification: Uncertain significance. Last evaluated: 2019-08-01. Review status: criteria provided, single submitter. Criteria: GeneDx Variant Classification Process June 2021. Collection method: clinical testing. Allele origin: germline. Affected: yes.
Comment: Has not been previously published as pathogenic or benign to our knowledge; Not observed in large population cohorts (Lek et al., 2016); In silico analysis, which includes protein predictors and evolutionary conservation, supports that this variant does not alter protein structure/function